The following is an entry in ClinVar:

NM_003873.7(NRP1):c.1704A>G (p.Arg568=)

Gene: NRP1 (neuropilin 1; minus strand). Cytogenetic location: 10p11.22.
Variant type: single nucleotide variant.
Coding change: c.1704A>G on transcript NM_003873.7 (MANE Select); coding-DNA position 1704, A replaced by G.
Protein change: p.Arg568=; no amino-acid change (arginine 568 retained).
Molecular consequence: synonymous variant. On other transcripts: non-coding transcript variant (1).
Genome position (GRCh38, 1-based): chr10:33,207,627, T>C on the plus strand (A>G on the coding strand, the complement: NRP1 is on the minus strand). VCF-style: chr10-33207627-T-C. GRCh37 (hg19) VCF-style: chr10-33496555-T-C.
Other names: c.1704A>G, p.Arg568= (NM_001024628.3, NM_001024629.3, NM_001244972.2 and 2 more transcripts).
Identifiers: ClinVar variation 3048529 (VCV003048529.2), dbSNP rs371691570, ClinGen allele CA5466528.

ClinVar aggregate classification (germline): Likely benign (0 of 4 stars; one submission).

Conditions:
NRP1-related disorder. Also called: NRP1-related condition.

Allele frequency attached by ClinVar (database versions not stated): ExAC 0.00002; gnomAD 0.00002; gnomAD exomes 0.00002; TOPMed 0.00002; ESP Exome Variant Server 0.00008.
gnomAD v4.1: 25 of 1,614,030 alleles (0.0015%); highest among the groups gnomAD compares: Non-Finnish European, 0.0021%; no homozygotes.

Submission:

PreventionGenetics, part of Exact Sciences
Classification: Likely benign for NRP1-related condition. Last evaluated: 2022-08-03. Review status: no assertion criteria provided. Collection method: clinical testing. Allele origin: germline.
Comment: This variant is classified as likely benign based on ACMG/AMP sequence variant interpretation guidelines (Richards et al. 2015 PMID: 25741868, with internal and published modifications).